The following is an entry in ClinVar:

NM_198994.3(TGM6):c.12C>G (p.Ile4Met)

Gene: TGM6 (transglutaminase 6; plus strand). Cytogenetic location: 20p13.
Variant type: single nucleotide variant.
Coding change: c.12C>G on transcript NM_198994.3 (MANE Select); coding-DNA position 12, C replaced by G.
Protein change: p.Ile4Met; replaces isoleucine 4 with methionine.
Molecular consequence: missense variant.
Genome position (GRCh38, 1-based): chr20:2,394,456, C>G. VCF-style: chr20-2394456-C-G. GRCh37 (hg19) VCF-style: chr20-2375102-C-G.
Other names: c.12C>G, p.Ile4Met (NM_001254734.2); short protein forms I4M.
Identifiers: ClinVar variation 337901 (VCV000337901.49), dbSNP rs139796716, ClinGen allele CA9731517.

ClinVar aggregate classification (germline): Benign/Likely benign. Review status: criteria provided, multiple submitters, no conflicts (2 of 4 stars). 7 submissions from 7 submitters: Benign (4); Likely benign (2). 1 of the submissions does not count toward it. Last evaluated 2025-08-30.

Conditions:
TGM6-related disorder. Also called: TGM6-related condition.
Spinocerebellar ataxia type 35. Identifiers: Orphanet 276193, MedGen C3888031, MONDO:0013485, OMIM 613908.

Allele frequency attached by ClinVar (database versions not stated): gnomAD exomes 0.00105; ExAC 0.00134; 1000 Genomes Project 0.00359; gnomAD 0.00406 and 0.00438; 1000 Genomes Project 30x 0.00468; TOPMed 0.00498; ESP Exome Variant Server 0.00523.
gnomAD v4.1: 1,322 of 1,611,474 alleles (0.082%); highest among the groups gnomAD compares: African/African-American, 1.5%; 9 homozygotes.

Submissions (7):

Labcorp Genetics (formerly Invitae), Labcorp
Classification: Benign. Last evaluated: 2025-08-30. Review status: criteria provided, single submitter. Criteria: Invitae Variant Classification Sherloc (09022015). Collection method: clinical testing. Allele origin: germline.

Blueprint Genetics
Classification: Likely benign. Last evaluated: 2024-10-02. Review status: criteria provided, single submitter. Criteria: ACMG Guidelines, 2015. Collection method: clinical testing. Allele origin: germline.

Athena Diagnostics
Classification: Benign. Last evaluated: 2024-07-05. Review status: criteria provided, single submitter. Criteria: Athena Diagnostics Criteria. Collection method: clinical testing. Allele origin: unknown.

CeGaT Center for Human Genetics Tuebingen
Classification: Benign. Last evaluated: 2022-06-01. Review status: criteria provided, single submitter. Criteria: CeGaT Center For Human Genetics Tuebingen Variant Classification Criteria Version 2. Collection method: clinical testing. Allele origin: germline. Affected: yes. Observed: 1 variant allele.
Comment: TGM6: BS1, BS2

GeneDx
Classification: Likely benign. Last evaluated: 2022-02-08. Review status: criteria provided, single submitter. Criteria: GeneDx Variant Classification Process June 2021. Collection method: clinical testing. Allele origin: germline. Affected: yes.
Comment: See Variant Classification Assertion Criteria.

Illumina Laboratory Services, Illumina
Classification: Benign for Spinocerebellar ataxia type 35. Last evaluated: 2018-01-13. Review status: criteria provided, single submitter. Criteria: ICSL Variant Classification Criteria 13 December 2019. Collection method: clinical testing. Allele origin: germline.
Comment: This variant was observed in the ICSL laboratory as part of a predisposition screen in an ostensibly healthy population. It had not been previously curated by ICSL or reported in the Human Gene Mutation Database (HGMD: prior to June 1st, 2018), and was therefore a candidate for classification through an automated scoring system. Utilizing variant allele frequency, disease prevalence and penetrance estimates, and inheritance mode, an automated score was calculated to assess if this variant is too frequent to cause the disease. Based on the score and internal cut-off values, a variant classified as benign is not then subjected to further curation. The score for this variant resulted in a classification of benign for this disease.

PreventionGenetics, part of Exact Sciences
Classification: Benign for TGM6-related condition. Last evaluated: 2022-02-04. Review status: no assertion criteria provided. Collection method: clinical testing. Allele origin: germline. Not counted in ClinVar's aggregate classification.
Comment: This variant is classified as benign based on ACMG/AMP sequence variant interpretation guidelines (Richards et al. 2015 PMID: 25741868, with internal and published modifications).

Literature cited by the submitters: PubMed 38255008 (cited by Athena Diagnostics); PubMed 24627221 (cited by Athena Diagnostics).